The following is an entry in ClinVar:

NM_006084.5(IRF9):c.688G>A (p.Val230Met)

Gene: IRF9 (interferon regulatory factor 9; plus strand). Cytogenetic location: 14q12.
Variant type: single nucleotide variant.
Coding change: c.688G>A on transcript NM_006084.5 (MANE Select); coding-DNA position 688, G replaced by A.
Protein change: p.Val230Met; replaces valine 230 with methionine.
Molecular consequence: missense variant. On other transcripts: intron variant (1).
Genome position (GRCh38, 1-based): chr14:24,164,652, G>A. VCF-style: chr14-24164652-G-A. GRCh37 (hg19) VCF-style: chr14-24633861-G-A.
Other names: c.715G>A, p.Val239Met (NM_001385400.1, NM_001385401.1); c.650-225G>A (NM_001385402.1); short protein forms V230M, V239M.
Identifiers: ClinVar variation 1462366 (VCV001462366.8), dbSNP rs148996083, ClinGen allele CA7126545.
Genomic context (GRCh38, chr14:24,164,652, plus strand): 5'-GGTAGGGCTGTTCTATCCCCAGACTACTCACTGCTGCTCACCTTCATCTACAACGGGCGC[G>A]TGGTGGGCGAGGCCCAGGTGCAAAGCCTGGATTGCCGCCTTGTGGCTGAGCCCTCAGGCT-3'
Protein context (NP_006075.3, residues 220-240): LLLTFIYNGR[Val230Met]VGEAQVQSLD

ClinVar aggregate classification (germline): Uncertain significance (1 of 4 stars; one submission).

Allele frequency attached by ClinVar (database versions not stated): gnomAD exomes 0.00003; ExAC 0.00004; gnomAD 0.00006; 1000 Genomes Project 0.00020; TOPMed 0.00006; ESP Exome Variant Server 0.00008; 1000 Genomes Project 30x 0.00016.
gnomAD v4.1: 31 of 1,612,290 alleles (0.0019%); highest among the groups gnomAD compares: African/African-American, 0.0053%; no homozygotes.

Submission:

Labcorp Genetics (formerly Invitae), Labcorp
Classification: Uncertain significance. Last evaluated: 2026-01-04. Review status: criteria provided, single submitter. Criteria: Invitae Variant Classification Sherloc (09022015). Collection method: clinical testing. Allele origin: germline.
Comment: This sequence change replaces valine, which is neutral and non-polar, with methionine, which is neutral and non-polar, at codon 230 of the IRF9 protein (p.Val230Met). This variant is present in population databases (rs148996083, gnomAD 0.004%). This variant has not been reported in the literature in individuals affected with IRF9-related conditions. ClinVar contains an entry for this variant (Variation ID: 1462366). An algorithm developed to predict the effect of missense changes on protein structure and function (PolyPhen-2) suggests that this variant is likely to be disruptive. In summary, the available evidence is currently insufficient to determine the role of this variant in disease. Therefore, it has been classified as a Variant of Uncertain Significance.